The following is an entry in ClinVar:

ClinVar aggregate classification (germline): Likely pathogenic (1 of 4 stars; one submission).

Conditions:
Isolated focal cortical dysplasia type IIa. Also called: Focal cortical dysplasia of Taylor type 2A. Identifiers: Orphanet 269001, MedGen C1846386, MONDO:0017101.

Submission:

Human Genome Lab, NIMHANS, National Institute of Mental Health and Neuro Sciences
Classification: Likely pathogenic for Isolated focal cortical dysplasia type IIa. Review status: criteria provided, single submitter. Criteria: ACMG Guidelines, 2015. Collection method: clinical testing. Allele origin: germline. Affected: yes. Observed: 1 variant allele, 1 heterozygote.
Comment: The variant is not currently classified as pathogenic or benign in clinical sources. The variant is novel (not in any individuals) in gnomAD4-Joint-Variant Frequencies. The variant is a loss of function variant in the gene NPRL3, which is intolerant of Loss of Function variants. For these reasons, this variant has been classified as Likely Pathogenic. (ACMG Criteria: PM2 PVS1)

NM_006545.5(NPRL2):c.907C>T (p.Gln303Ter)

Gene: NPRL2 (NPR2 like, GATOR1 complex subunit; minus strand). Cytogenetic location: 3p21.31.
Variant type: single nucleotide variant.
Coding change: c.907C>T on transcript NM_006545.5 (MANE Select); coding-DNA position 907, C replaced by T.
Protein change: p.Gln303Ter; replaces glutamine 303 with a stop codon.
Molecular consequence: nonsense.
Genome position (GRCh38, 1-based): chr3:50,348,149, G>A on the plus strand (C>T on the coding strand, the complement: NPRL2 is on the minus strand). VCF-style: chr3-50348149-G-A. GRCh37 (hg19) VCF-style: chr3-50385580-G-A.
Other names: short protein forms Q303*.
Identifiers: ClinVar variation 4879977 (VCV004879977.1).
Genomic context (GRCh38, chr3:50,348,149, plus strand): 5'-TAACTCCCAAATGCCCCAGCAAATTCTCCTCTGACCGTTCATCAACATGCTGCAGCTGCT[G>A]GGGGTGGCGGCCAATGAGGTCTCGCACGGTAGTGCCAGGGCTCAGGCTGCAGTATAGCTG-3'